The following is an entry in ClinVar:

ClinVar aggregate classification (germline): Uncertain significance (1 of 4 stars; one submission).

Submission:

Ambry Genetics
Classification: Uncertain significance. Last evaluated: 2026-05-14. Review status: criteria provided, single submitter. Criteria: Ambry Variant Classification Scheme 2023. Collection method: clinical testing. Allele origin: germline.
Comment: The p.R677L variant (also known as c.2030G>T), located in coding exon 13 of the GEN1 gene, results from a G to T substitution at nucleotide position 2030. The arginine at codon 677 is replaced by leucine, an amino acid with dissimilar properties. This amino acid position is conserved. In addition, the in silico prediction for this alteration is inconclusive. Based on the available evidence, the clinical significance of this variant remains unclear.

NM_001130009.3(GEN1):c.2030G>T (p.Arg677Leu)

Gene: GEN1 (GEN1 structure-specific endonuclease; plus strand). Cytogenetic location: 2p24.2.
Variant type: single nucleotide variant.
Coding change: c.2030G>T on transcript NM_001130009.3 (MANE Select); coding-DNA position 2030, G replaced by T.
Protein change: p.Arg677Leu; replaces arginine 677 with leucine.
Molecular consequence: missense variant.
Genome position (GRCh38, 1-based): chr2:17,781,242, G>T. VCF-style: chr2-17781242-G-T. GRCh37 (hg19) VCF-style: chr2-17962509-G-T.
Other names: c.2030G>T, p.Arg677Leu (NM_182625.5); short protein forms R677L.
Identifiers: ClinVar variation 4857981 (VCV004857981.1).